The following is an entry in ClinVar:

NM_001042492.3(NF1):c.1181_1182del (p.His393_Phe394insTer)

Gene: NF1 (neurofibromin 1; plus strand). Cytogenetic location: 17q11.2.
Variant type: Deletion.
Coding change: c.1181_1182del on transcript NM_001042492.3 (MANE Select); coding-DNA positions 1181 to 1182, 2 bases deleted (TT; older notation c.1181_1182delTT).
Protein change: p.His393_Phe394insTer.
Molecular consequence: nonsense. On other transcripts: frameshift variant (1).
Genome position (GRCh38, 1-based): chr17:31,201,155-31,201,156, TT deleted; deleting any 2 consecutive bases within chr17:31,201,154-31,201,156 gives the same sequence; the c. name uses the placement nearest the transcript's 3' end. VCF-style (leftmost placement, unchanged base first): chr17-31201153-CTT-C. GRCh37 (hg19) VCF-style: chr17-29528171-CTT-C.
Other names: c.1181_1182delTT, p.Phe394Terfs (NM_000267.4); c.1181_1182del, p.His393_Phe394insTer (NM_001128147.3); c.1181_1182delTT (NM_000267.3).
Identifiers: ClinVar variation 2106680 (VCV002106680.5), dbSNP rs1597682159, ClinGen allele CA645571217.

ClinVar aggregate classification (germline): Pathogenic. Review status: criteria provided, multiple submitters, no conflicts (2 of 4 stars). 2 submissions from 2 submitters: Pathogenic (2). Last evaluated 2026-05-20.

Conditions:
Cardiovascular phenotype. Identifiers: MedGen CN230736.
Hereditary cancer-predisposing syndrome. Also called: Neoplastic Syndromes, Hereditary; Tumor predisposition; Hereditary Cancer Syndrome; Hereditary neoplastic syndrome. Identifiers: Orphanet 140162, MedGen C0027672, MeSH D009386, MONDO:0015356.
Neurofibromatosis, type 1 (NF1). Also called: VON RECKLINGHAUSEN DISEASE; NEUROFIBROMATOSIS, TYPE I, SOMATIC; Peripheral type neurofibromatosis; Neurofibromatosis, type I. Identifiers: Orphanet 636, MedGen C0027831, MONDO:0018975, OMIM 162200. Disease mechanism: loss of function.

Submissions (2):

Ambry Genetics
Classification: Pathogenic for Cardiovascular phenotype; Hereditary cancer-predisposing syndrome. Last evaluated: 2026-05-20. Review status: criteria provided, single submitter. Criteria: Ambry Variant Classification Scheme 2023. Collection method: clinical testing. Allele origin: germline.
Comment: The c.1181_1182delTT pathogenic mutation, located in coding exon 10 of the NF1 gene, results from a deletion of two nucleotides at nucleotide positions 1181 to 1182, causing a translational frameshift with a predicted alternate stop codon (p.F394*). This variant is considered to be rare based on population cohorts in the Genome Aggregation Database (gnomAD). This alteration is expected to result in loss of function by premature protein truncation or nonsense-mediated mRNA decay. As such, this alteration is interpreted as a disease-causing mutation.

Labcorp Genetics (formerly Invitae), Labcorp
Classification: Pathogenic for Neurofibromatosis, type 1. Last evaluated: 2022-06-14. Review status: criteria provided, single submitter. Criteria: Invitae Variant Classification Sherloc (09022015). Collection method: clinical testing. Allele origin: germline.
Comment: This sequence change creates a premature translational stop signal (p.Phe394*) in the NF1 gene. It is expected to result in an absent or disrupted protein product. Loss-of-function variants in NF1 are known to be pathogenic (PMID: 10712197, 23913538). This variant is not present in population databases (gnomAD no frequency). This variant has not been reported in the literature in individuals affected with NF1-related conditions. For these reasons, this variant has been classified as Pathogenic.

Literature cited by the submitters: PubMed 10712197 (cited by Labcorp Genetics (formerly Invitae), Labcorp); PubMed 23913538 (cited by Labcorp Genetics (formerly Invitae), Labcorp).